The following is an entry in ClinVar:

NM_000540.3(RYR1):c.14632G>A (p.Asp4878Asn)

Gene: RYR1 (ryanodine receptor 1; plus strand). Cytogenetic location: 19q13.2.
Variant type: single nucleotide variant.
Coding change: c.14632G>A on transcript NM_000540.3 (MANE Select); coding-DNA position 14632, G replaced by A.
Protein change: p.Asp4878Asn; replaces aspartic acid 4878 with asparagine.
Molecular consequence: missense variant.
Genome position (GRCh38, 1-based): chr19:38,580,490, G>A. VCF-style: chr19-38580490-G-A. GRCh37 (hg19) VCF-style: chr19-39071130-G-A.
Other names: c.14617G>A, p.Asp4873Asn (NM_001042723.2); short protein forms D4873N, D4878N.
Identifiers: ClinVar variation 1347785 (VCV001347785.6), dbSNP rs1443223174, ClinGen allele CA405688092.

ClinVar aggregate classification (germline): Uncertain significance. Review status: criteria provided, multiple submitters, no conflicts (2 of 4 stars). 2 submissions from 2 submitters: Uncertain significance (2). Last evaluated 2023-08-15.

Conditions:
RYR1-related disorder. Also called: RYR1-related condition; RYR1-related disorders. Identifiers: MedGen CN239331.
Malignant hyperthermia, susceptibility to, 1 (MHS1). Also called: Anesthesia related hyperthermia; Malignant hyperpyrexia; Fulminating hyperpyrexia; Pharmacogenic myopathy; RYR1-Related Malignant Hyperthermia Susceptibility; Malignant hyperthermia suceptibility 1. Identifiers: Orphanet 423, MedGen C2930980, MONDO:0007783, OMIM 145600.

Allele frequency attached by ClinVar (database versions not stated): gnomAD exomes below 0.00001 and 0.00001.
gnomAD v4.1: 4 of 1,614,124 alleles (0.00025%); highest among the groups gnomAD compares: Non-Finnish European, 0.00034%; no homozygotes.

Submissions (2):

All of Us Research Program, National Institutes of Health
Classification: Uncertain significance for Malignant hyperthermia, susceptibility to, 1. Last evaluated: 2023-08-15. Review status: criteria provided, single submitter. Criteria: ACMG Guidelines, 2015. Collection method: clinical testing. Allele origin: germline. Inheritance: Autosomal dominant inheritance. Observed: 1 variant allele, 1 heterozygote.
Comment: This study involves interpretation of variants in research participants for the purpose of population health screening. Participant phenotype was not available at the time of variant classification. Additional details can be found in publication PMID: 35346344, PMCID: PMC8962531

Labcorp Genetics (formerly Invitae), Labcorp
Classification: Uncertain significance for RYR1-related disorder. Last evaluated: 2022-03-08. Review status: criteria provided, single submitter. Criteria: Invitae Variant Classification Sherloc (09022015). Collection method: clinical testing. Allele origin: germline.
Comment: This sequence change replaces aspartic acid, which is acidic and polar, with asparagine, which is neutral and polar, at codon 4878 of the RYR1 protein (p.Asp4878Asn). This variant is present in population databases (no rsID available, gnomAD 0.0009%). This variant has not been reported in the literature in individuals affected with RYR1-related conditions. Advanced modeling of protein sequence and biophysical properties (such as structural, functional, and spatial information, amino acid conservation, physicochemical variation, residue mobility, and thermodynamic stability) performed at Invitae indicates that this missense variant is not expected to disrupt RYR1 protein function. In summary, the available evidence is currently insufficient to determine the role of this variant in disease. Therefore, it has been classified as a Variant of Uncertain Significance.